The following is an entry in ClinVar:

NM_001134363.3(RBM20):c.413G>C (p.Arg138Thr)

Gene: RBM20 (RNA binding motif protein 20; plus strand). Cytogenetic location: 10q25.2.
Variant type: single nucleotide variant.
Coding change: c.413G>C on transcript NM_001134363.3 (MANE Select); coding-DNA position 413, G replaced by C.
Protein change: p.Arg138Thr; replaces arginine 138 with threonine.
Molecular consequence: missense variant.
Genome position (GRCh38, 1-based): chr10:110,781,022, G>C. VCF-style: chr10-110781022-G-C. GRCh37 (hg19) VCF-style: chr10-112540780-G-C.
Other names: c.413G>C (NM_001134363.1); short protein forms R138T.
Identifiers: ClinVar variation 1411566 (VCV001411566.6), dbSNP rs1387283537, ClinGen allele CA378380121.

ClinVar aggregate classification (germline): Uncertain significance. Review status: criteria provided, multiple submitters, no conflicts (2 of 4 stars). 2 submissions from 2 submitters: Uncertain significance (2). Last evaluated 2023-08-29.

Conditions:
Cardiovascular phenotype. Identifiers: MedGen CN230736.
Dilated cardiomyopathy 1DD (CMD1DD). Identifiers: Orphanet 154, MedGen C2750995, MONDO:0013168, OMIM 613172.

Allele frequency attached by ClinVar (database versions not stated): gnomAD exomes 0.00001.
gnomAD v4.1: 20 of 1,551,884 alleles (0.0013%); highest among the groups gnomAD compares: Non-Finnish European, 0.0017%; no homozygotes.

Submissions (2):

Ambry Genetics
Classification: Uncertain significance for Cardiovascular phenotype. Last evaluated: 2023-08-29. Review status: criteria provided, single submitter. Criteria: Ambry Variant Classification Scheme 2023. Collection method: clinical testing. Allele origin: germline.
Comment: The p.R138T variant (also known as c.413G>C), located in coding exon 2 of the RBM20 gene, results from a G to C substitution at nucleotide position 413. The arginine at codon 138 is replaced by threonine, an amino acid with similar properties. This amino acid position is conserved. In addition, this alteration is predicted to be deleterious by in silico analysis. Since supporting evidence is limited at this time, the clinical significance of this alteration remains unclear.

Labcorp Genetics (formerly Invitae), Labcorp
Classification: Uncertain significance for Dilated cardiomyopathy 1DD. Last evaluated: 2021-08-30. Review status: criteria provided, single submitter. Criteria: Invitae Variant Classification Sherloc (09022015). Collection method: clinical testing. Allele origin: germline.
Comment: This sequence change replaces arginine with threonine at codon 138 of the RBM20 protein (p.Arg138Thr). The arginine residue is weakly conserved and there is a moderate physicochemical difference between arginine and threonine. This variant is not present in population databases (ExAC no frequency). This variant has not been reported in the literature in individuals affected with RBM20-related conditions. Advanced modeling of protein sequence and biophysical properties (such as structural, functional, and spatial information, amino acid conservation, physicochemical variation, residue mobility, and thermodynamic stability) performed at Invitae indicates that this missense variant is expected to disrupt RBM20 protein function. In summary, the available evidence is currently insufficient to determine the role of this variant in disease. Therefore, it has been classified as a Variant of Uncertain Significance.